The following is an entry in ClinVar:

NM_007074.4(CORO1A):c.205C>T (p.Arg69Cys)

Gene: CORO1A (coronin 1A; plus strand). Cytogenetic location: 16p11.2.
Variant type: single nucleotide variant.
Coding change: c.205C>T on transcript NM_007074.4 (MANE Select); coding-DNA position 205, C replaced by T.
Protein change: p.Arg69Cys; replaces arginine 69 with cysteine.
Molecular consequence: missense variant.
Genome position (GRCh38, 1-based): chr16:30,186,604, C>T. VCF-style: chr16-30186604-C-T. GRCh37 (hg19) VCF-style: chr16-30197925-C-T.
Other names: c.205C>T, p.Arg69Cys (NM_001193333.3); short protein forms R69C.
Identifiers: ClinVar variation 1449323 (VCV001449323.5), dbSNP rs2073337013, ClinGen allele CA395491652.

ClinVar aggregate classification (germline): Uncertain significance (1 of 4 stars; one submission).

Conditions:
Severe combined immunodeficiency due to CORO1A deficiency. Also called: Immunodeficiency 8; IMMUNODEFICIENCY 8 WITH LYMPHOPROLIFERATION. Identifiers: Orphanet 228003, MedGen C3809383, MONDO:0014168, OMIM 615401.

Allele frequency attached by ClinVar (database versions not stated): gnomAD exomes below 0.00001.

Submission:

Labcorp Genetics (formerly Invitae), Labcorp
Classification: Uncertain significance for Severe combined immunodeficiency due to CORO1A deficiency. Last evaluated: 2022-09-27. Review status: criteria provided, single submitter. Criteria: Invitae Variant Classification Sherloc (09022015). Collection method: clinical testing. Allele origin: germline.
Comment: This sequence change replaces arginine, which is basic and polar, with cysteine, which is neutral and slightly polar, at codon 69 of the CORO1A protein (p.Arg69Cys). This variant is not present in population databases (gnomAD no frequency). This variant has not been reported in the literature in individuals affected with CORO1A-related conditions. ClinVar contains an entry for this variant (Variation ID: 1449323). Advanced modeling of protein sequence and biophysical properties (such as structural, functional, and spatial information, amino acid conservation, physicochemical variation, residue mobility, and thermodynamic stability) performed at Invitae indicates that this missense variant is expected to disrupt CORO1A protein function. In summary, the available evidence is currently insufficient to determine the role of this variant in disease. Therefore, it has been classified as a Variant of Uncertain Significance.